The following is an entry in ClinVar:

ClinVar aggregate classification (germline): Uncertain significance. Review status: criteria provided, multiple submitters, no conflicts (2 of 4 stars). 2 submissions from 2 submitters: Uncertain significance (2). Last evaluated 2025-06-07.

Conditions:
Inborn genetic diseases. Identifiers: MedGen C0950123, MeSH D030342.

Allele frequency attached by ClinVar (database versions not stated): gnomAD exomes below 0.00001 and 0.00001; TOPMed 0.00001; gnomAD 0.00001.
gnomAD v4.1: 18 of 1,614,224 alleles (0.0011%); highest among the groups gnomAD compares: African/African-American, 0.013%; no homozygotes.

Submissions (2):

Ambry Genetics
Classification: Uncertain significance for Inborn genetic diseases. Last evaluated: 2025-06-07. Review status: criteria provided, single submitter. Criteria: Ambry Variant Classification Scheme 2023. Collection method: clinical testing. Allele origin: germline.

Labcorp Genetics (formerly Invitae), Labcorp
Classification: Uncertain significance. Last evaluated: 2022-07-06. Review status: criteria provided, single submitter. Criteria: Invitae Variant Classification Sherloc (09022015). Collection method: clinical testing. Allele origin: germline.
Comment: This sequence change replaces leucine, which is neutral and non-polar, with valine, which is neutral and non-polar, at codon 301 of the TMPRSS3 protein (p.Leu301Val). This variant is present in population databases (rs573439830, gnomAD 0.006%). This variant has not been reported in the literature in individuals affected with TMPRSS3-related conditions. ClinVar contains an entry for this variant (Variation ID: 1506080). Advanced modeling of protein sequence and biophysical properties (such as structural, functional, and spatial information, amino acid conservation, physicochemical variation, residue mobility, and thermodynamic stability) performed at Invitae indicates that this missense variant is not expected to disrupt TMPRSS3 protein function. Algorithms developed to predict the effect of sequence changes on RNA splicing suggest that this variant may create or strengthen a splice site. In summary, the available evidence is currently insufficient to determine the role of this variant in disease. Therefore, it has been classified as a Variant of Uncertain Significance.

NM_001256317.3(TMPRSS3):c.901C>G (p.Leu301Val)

Gene: TMPRSS3 (transmembrane serine protease 3; minus strand). Cytogenetic location: 21q22.3.
Variant type: single nucleotide variant.
Coding change: c.901C>G on transcript NM_001256317.3 (MANE Select); coding-DNA position 901, C replaced by G.
Protein change: p.Leu301Val; replaces leucine 301 with valine.
Molecular consequence: missense variant.
Genome position (GRCh38, 1-based): chr21:42,382,116, G>C on the plus strand (C>G on the coding strand, the complement: TMPRSS3 is on the minus strand). VCF-style: chr21-42382116-G-C. GRCh37 (hg19) VCF-style: chr21-43802225-G-C.
Other names: c.901C>G, p.Leu301Val (NM_024022.4, NM_032405.2); c.520C>G, p.Leu174Val (NM_032404.3); c.901C>G (NM_024022.2); short protein forms L301V, L174V.
Identifiers: ClinVar variation 1506080 (VCV001506080.6), dbSNP rs573439830, ClinGen allele CA321543433.